The following is an entry in ClinVar:

NM_001267550.2(TTN):c.30203C>T (p.Ser10068Leu)

Gene: TTN (titin; minus strand). Cytogenetic location: 2q31.2.
Variant type: single nucleotide variant.
Coding change: c.30203C>T on transcript NM_001267550.2 (MANE Select); coding-DNA position 30203, C replaced by T.
Protein change: p.Ser10068Leu; replaces serine 10068 with leucine.
Molecular consequence: missense variant. On other transcripts: intron variant (3).
Genome position (GRCh38, 1-based): chr2:178,704,167, G>A on the plus strand (C>T on the coding strand, the complement: TTN is on the minus strand). VCF-style: chr2-178704167-G-A. GRCh37 (hg19) VCF-style: chr2-179568894-G-A.
Other names: c.29252C>T, p.Ser9751Leu (NM_001256850.1); c.26471C>T, p.Ser8824Leu (NM_133378.4); c.13282+33915C>T (NM_003319.4); c.13858+33915C>T (NM_133437.4); c.13657+33915C>T (NM_133432.3); short protein forms S10068L, S9751L, S8824L.
Identifiers: ClinVar variation 4984892 (VCV004984892.1).
Genomic context (GRCh38, chr2:178,704,167, plus strand): 5'-CTATGCTGTACCCACAAGGACTCCATAGTGTTTCACGCACCTTCGATTCTGAGTTCTGCT[G>A]AAGTTTCAAGGTCTTCATATTTGCAGGTGTACTGACCCTGGTCTTCTGCTCGAACATCTG-3'
Protein context (NP_001254479.2, residues 10058-10078): YTCKYEDLET[Ser10068Leu]AELRIEAEPI

ClinVar aggregate classification (germline): Uncertain significance (1 of 4 stars; one submission).

Conditions:
TTN-related disorder. Also called: TTN-related disorders; TTN-related condition; TTN-related disease.

gnomAD v4.1: 3 of 1,613,902 alleles (0.00019%); highest among the groups gnomAD compares: Non-Finnish European, 0.00025%; no homozygotes.

Submission:

PreventionGenetics, part of Exact Sciences
Classification: Uncertain significance for TTN-related condition. Last evaluated: 2025-07-08. Review status: criteria provided, single submitter. Criteria: ACMG Guidelines, 2015. Collection method: clinical testing. Allele origin: germline.
Comment: The TTN c.30203C>T variant is predicted to result in the amino acid substitution p.Ser10068Leu. To our knowledge, this variant has not been reported in the literature. This variant is reported in 0.00089% of alleles in individuals of European (Non-Finnish) descent in gnomAD. At this time, the clinical significance of this variant is uncertain due to the absence of conclusive functional and genetic evidence.